The following is an entry in ClinVar:

NM_002972.4(SBF1):c.4784A>G (p.Asn1595Ser)

Gene: SBF1 (SET binding factor 1; minus strand). Cytogenetic location: 22q13.33.
Variant type: single nucleotide variant.
Coding change: c.4784A>G on transcript NM_002972.4 (MANE Select); coding-DNA position 4784, A replaced by G.
Protein change: p.Asn1595Ser; replaces asparagine 1595 with serine.
Molecular consequence: missense variant.
Genome position (GRCh38, 1-based): chr22:50,454,842, T>C on the plus strand (A>G on the coding strand, the complement: SBF1 is on the minus strand). VCF-style: chr22-50454842-T-C. GRCh37 (hg19) VCF-style: chr22-50893271-T-C.
Other names: c.4784A>G (NM_002972.2); c.4709A>G, p.Asn1570Ser (NM_001365819.1); c.4787A>G, p.Asn1596Ser (NM_001410794.1); c.4706A>G, p.Asn1569Ser (NM_001410795.1); c.4784A>G, p.Asn1595Ser (NM_197971.1); short protein forms N1570S, N1596S, N1569S, N1595S.
Identifiers: ClinVar variation 2179340 (VCV002179340.5), dbSNP rs575037791, ClinGen allele CA10316136.
Genomic context (GRCh38, chr22:50,454,842, plus strand): 5'-GAGCCGCCTACCCGACCCAGGCCCCAGCTTACCTCTGCGTCCTCGGGCGCATACATGTAA[T>C]TGTGGAACACAGGCGTCCTCTTGCTCAGCCGGTCCACATACTCCCACACAGACCTGCACG-3'
Protein context (NP_002963.2, residues 1585-1605): RLSKRTPVFH[Asn1595Ser]YMYAPEDAEV

ClinVar aggregate classification (germline): Uncertain significance. Review status: criteria provided, multiple submitters, no conflicts (2 of 4 stars). 2 submissions from 2 submitters: Uncertain significance (2). Last evaluated 2024-09-05.

Allele frequency attached by ClinVar (database versions not stated): TOPMed 0.00002; gnomAD 0.00006; gnomAD exomes 0.00008; ExAC 0.00020; 1000 Genomes Project 0.00080; 1000 Genomes Project 30x 0.00109.
gnomAD v4.1: 129 of 1,614,038 alleles (0.008%); highest among the groups gnomAD compares: South Asian, 0.14%; 2 homozygotes.

Submissions (2):

GeneDx
Classification: Uncertain significance. Last evaluated: 2024-09-05. Review status: criteria provided, single submitter. Criteria: GeneDx Variant Classification Process June 2021. Collection method: clinical testing. Allele origin: germline. Affected: yes.
Comment: In silico analysis supports that this missense variant has a deleterious effect on protein structure/function; Has not been previously published as pathogenic or benign to our knowledge

Labcorp Genetics (formerly Invitae), Labcorp
Classification: Uncertain significance. Last evaluated: 2022-08-22. Review status: criteria provided, single submitter. Criteria: Invitae Variant Classification Sherloc (09022015). Collection method: clinical testing. Allele origin: germline.
Comment: This sequence change replaces asparagine, which is neutral and polar, with serine, which is neutral and polar, at codon 1595 of the SBF1 protein (p.Asn1595Ser). This variant is present in population databases (rs575037791, gnomAD 0.2%). In summary, the available evidence is currently insufficient to determine the role of this variant in disease. Therefore, it has been classified as a Variant of Uncertain Significance. Algorithms developed to predict the effect of missense changes on protein structure and function are either unavailable or do not agree on the potential impact of this missense change (SIFT: "Deleterious"; PolyPhen-2: "Probably Damaging"; Align-GVGD: "Class C0"). This variant has not been reported in the literature in individuals affected with SBF1-related conditions.